The following is an entry in ClinVar:

ClinVar aggregate classification (germline): Uncertain significance (1 of 4 stars; one submission).

Allele frequency attached by ClinVar (database versions not stated): gnomAD 0.00001; TOPMed 0.00001.
gnomAD v4.1: 3 of 1,612,428 alleles (0.00019%); highest among the groups gnomAD compares: African/African-American, 0.0013%; no homozygotes.

Submission:

Labcorp Genetics (formerly Invitae), Labcorp
Classification: Uncertain significance. Last evaluated: 2022-08-15. Review status: criteria provided, single submitter. Criteria: Invitae Variant Classification Sherloc (09022015). Collection method: clinical testing. Allele origin: germline.
Comment: Algorithms developed to predict the effect of missense changes on protein structure and function are either unavailable or do not agree on the potential impact of this missense change (SIFT: "Deleterious"; PolyPhen-2: "Possibly Damaging"; Align-GVGD: "Class C0"). In summary, the available evidence is currently insufficient to determine the role of this variant in disease. Therefore, it has been classified as a Variant of Uncertain Significance. This variant has not been reported in the literature in individuals affected with ATP8A2-related conditions. This variant is present in population databases (no rsID available, gnomAD no frequency). This sequence change replaces aspartic acid, which is acidic and polar, with alanine, which is neutral and non-polar, at codon 405 of the ATP8A2 protein (p.Asp405Ala).

NM_016529.6(ATP8A2):c.1214A>C (p.Asp405Ala)

Gene: ATP8A2 (ATPase phospholipid transporting 8A2). Cytogenetic location: 13q12.13.
Variant type: single nucleotide variant.
Coding change: c.1214A>C on transcript NM_016529.6 (MANE Select); coding-DNA position 1214, A replaced by C.
Protein change: p.Asp405Ala; replaces aspartic acid 405 with alanine.
Molecular consequence: missense variant.
Genome position (GRCh38, 1-based): chr13:25,555,019, A>C. VCF-style: chr13-25555019-A-C. GRCh37 (hg19) VCF-style: chr13-26129157-A-C.
Other names: c.1094A>C, p.Asp365Ala (NM_001313741.1); c.1214A>C, p.Asp405Ala (NM_001411005.1, NM_001411006.1); short protein forms D365A, D405A.
Identifiers: ClinVar variation 2109411 (VCV002109411.4), dbSNP rs762622963, ClinGen allele CA387613355.